The following is an entry in ClinVar:

NM_152564.5(VPS13B):c.2536del (p.Leu846fs)

Gene: VPS13B (vacuolar protein sorting 13 homolog B; plus strand). Cytogenetic location: 8q22.2.
Variant type: Deletion.
Coding change: c.2536del on transcript NM_152564.5 (MANE Select); coding-DNA position 2536, one base deleted (C; older notation c.2536delC).
Protein change: p.Leu846fs; shifts the reading frame from leucine 846.
Molecular consequence: frameshift variant.
Genome position (GRCh38, 1-based): chr8:99,274,218, C deleted; the last of 4 consecutive C bases (chr8:99,274,215-99,274,218); deleting any one gives the same sequence. VCF-style (leftmost placement, unchanged base first): chr8-99274214-TC-T. GRCh37 (hg19) VCF-style: chr8-100286442-TC-T.
Other names: c.2536del, p.Leu846fs (NM_017890.5); short protein forms L846fs.
Identifiers: ClinVar variation 1440945 (VCV001440945.6), dbSNP rs1818768394, ClinGen allele CA1805669831.

ClinVar aggregate classification (germline): Pathogenic (1 of 4 stars; one submission).

Conditions:
Cohen syndrome (COH1). Also called: PEPPER SYNDROME; Cutis verticis gyrata, retinitis pigmentosa, and sensorineural deafness. Identifiers: Orphanet 193, MedGen C0265223, MONDO:0008999, OMIM 216550.

Submission:

Labcorp Genetics (formerly Invitae), Labcorp
Classification: Pathogenic for Cohen syndrome. Last evaluated: 2022-04-09. Review status: criteria provided, single submitter. Criteria: Invitae Variant Classification Sherloc (09022015). Collection method: clinical testing. Allele origin: germline.
Comment: For these reasons, this variant has been classified as Pathogenic. This variant has not been reported in the literature in individuals affected with VPS13B-related conditions. This variant is not present in population databases (gnomAD no frequency). This sequence change creates a premature translational stop signal (p.Leu846Cysfs*13) in the VPS13B gene. It is expected to result in an absent or disrupted protein product. Loss-of-function variants in VPS13B are known to be pathogenic (PMID: 15141358, 16648375, 20461111).

Literature cited by the submitters: PubMed 15141358; PubMed 16648375; PubMed 20461111.